The following is an entry in ClinVar:

GRCh37/hg19 1q25.2-31.1(chr1:178522021-190322133)x1

Genes: ABL2 (ABL proto-oncogene 2, non-receptor tyrosine kinase; minus strand), ACBD6 (acyl-CoA binding domain containing 6; minus strand), ANGPTL1 (angiopoietin like 1; minus strand), APOBEC4 (apolipoprotein B mRNA editing enzyme catalytic polypeptide like 4; minus strand), ARPC5 (actin related protein 2/3 complex subunit 5; minus strand) and 53 more. Cytogenetic location: 1q25.2-31.1.
Variant type: copy number loss.
Change: copy number 1 (one copy instead of two) of chr1:178,522,021-190,322,133 (11.80 Mb, GRCh37 coordinates, 1-based), cytogenetic band 1q25.2-31.1.
Identifiers: ClinVar variation 1341276 (VCV001341276.1).

ClinVar aggregate classification (germline): Pathogenic (0 of 4 stars; one submission).

Submission:

Quest Diagnostics Nichols Institute San Juan Capistrano
Classification: Pathogenic. Last evaluated: 2021-03-01. Review status: no assertion criteria provided. Collection method: clinical testing. Allele origin: germline.
Comment: The copy number loss of 1q25.2q31.1 involves several coding genes across multiple chromosomal bands and is expected to cause phenotypic and/or developmental abnormalities. It includes multiple genes associated with autosomal dominant disorders: LHX4 (OMIM 602146), XPR1 (OMIM 605237), CACNA1E (OMIM 601013), RNASEL (OMIM 180435), IVNS1ABP (OMIM 609209), and HMCN1 (OMIM 608548). This deletion interval overlaps the region of intermediate 1q25-q32 deletion syndrome, which is characterized by pre- and/or postnatal growth retardation, psychomotor retardation, lip and palate anomalies, genital abnormalities, terminal limb defects, cardiac anomalies, microcephaly, and dysmorphic features. The severity of the clinical phenotype seems to be correlated with the size of the deletion (Hu et al., Mol Cytogenet 2013;6(1):30, PMID: 23915434). CENPL (not encompassed in this deletion interval) and LHX4 have been suggested as the strongest candidates for growth retardation in the 1q25-q32 region; however, there were several discordant reports regarding LHX4 deletion and growth deficiency (Burkardt et al., Am J Med Genet A 2011;155A(6):1336-51, PMID: 21548129; Filges et al., Pediatrics 2012;129(2):e529-34, PMID: 22232309). Haploinsufficiency of LHX4 is associated with autosomal dominant combined pituitary hormone deficiency-4 (OMIM 262700), which causes growth deficiency due to impaired production of growth hormone and one or more anterior pituitary hormones. Based on genotype-phenotype analysis, a 3.1 Mb critical region has been proposed for the intellectual disability phenotype at 1q25.2, which contains 24 genes, including seven OMIM genes (ASTN1, RASAL2, ANGPTL1, FAM20B, TOR3A, ABL2, and SOAT1). Many of these genes are encompassed in this deletion interval (Hu et al., Mol Cytogenet 2013;6(1):30, PMID: 23915434).